The following is an entry in ClinVar:

ClinVar aggregate classification (germline): Likely pathogenic (1 of 4 stars; one submission).

Conditions:
Glycogen storage disease IXd (GSD9D). Also called: GSD IXd; Muscle Phosphorylase Kinase Deficiency. Identifiers: Orphanet 715, MedGen C1845151, MONDO:0010362, OMIM 300559.

Submission:

Centre for Mendelian Genomics, University Medical Centre Ljubljana
Classification: Likely pathogenic for Glycogen storage disease IXd. Last evaluated: 2019-03-26. Review status: criteria provided, single submitter. Criteria: ACMG Guidelines, 2015. Collection method: clinical testing. Allele origin: unknown. Affected: yes.
Comment: This variant was classified as: Likely pathogenic. The following ACMG criteria were applied in classifying this variant: PVS1,PM2. This variant was detected in hemizygous state.

NM_002637.4(PHKA1):c.678_684del (p.Val227fs)

Gene: PHKA1 (phosphorylase kinase regulatory subunit alpha 1; minus strand). Cytogenetic location: Xq13.1.
Variant type: Deletion.
Coding change: c.678_684del on transcript NM_002637.4 (MANE Select); coding-DNA positions 678 to 684, 7 bases deleted (AGTTATC; older notation c.678_684delAGTTATC).
Protein change: p.Val227fs; shifts the reading frame from valine 227.
Molecular consequence: frameshift variant.
Genome position (GRCh38, 1-based): chrX:72,667,408-72,667,414, GATAACT deleted on the plus strand (AGTTATC on the coding strand, the reverse complement: PHKA1 is on the minus strand); deleting any 7 consecutive bases within chrX:72,667,408-72,667,417 gives the same sequence; the c. name uses the placement nearest the transcript's 3' end. VCF-style (leftmost placement, unchanged base first): chrX-72667407-GGATAACT-G. GRCh37 (hg19) VCF-style: chrX-71887257-GGATAACT-G.
Other names: c.678_684del, p.Val227fs (NM_001122670.2, NM_001172436.2); short protein forms V227fs.
Identifiers: ClinVar variation 931918 (VCV000931918.3), dbSNP rs2053626907, ClinGen allele CA1139667635.